The following is an entry in ClinVar:

ClinVar aggregate classification (germline): Uncertain significance. Review status: criteria provided, multiple submitters, no conflicts (2 of 4 stars). 3 submissions from 3 submitters: Uncertain significance (2). 1 of the submissions does not count toward it. Last evaluated 2026-01-22.

Conditions:
Complement component C1s deficiency. Also called: C1s deficiency; Complement 1s deficiency. Identifiers: MedGen C3151078, MONDO:0013419, OMIM 613783.

Allele frequency attached by ClinVar (database versions not stated): TOPMed 0.00002; gnomAD 0.00003 and 0.00004; ExAC 0.00007; ESP Exome Variant Server 0.00008; 1000 Genomes Project 30x 0.00016; 1000 Genomes Project 0.00020.
gnomAD v4.1: 52 of 1,612,574 alleles (0.0032%); highest among the groups gnomAD compares: Middle Eastern, 0.033%; no homozygotes.

Submissions (3):

Labcorp Genetics (formerly Invitae), Labcorp
Classification: Uncertain significance. Last evaluated: 2026-01-22. Review status: criteria provided, single submitter. Criteria: Invitae Variant Classification Sherloc (09022015). Collection method: clinical testing. Allele origin: germline.
Comment: This sequence change replaces arginine, which is basic and polar, with tryptophan, which is neutral and slightly polar, at codon 245 of the C1S protein (p.Arg245Trp). This variant is present in population databases (rs147971272, gnomAD 0.01%). This variant has not been reported in the literature in individuals affected with C1S-related conditions. ClinVar contains an entry for this variant (Variation ID: 830030). An algorithm developed to predict the effect of missense changes on protein structure and function (PolyPhen-2) suggests that this variant is likely to be disruptive. Algorithms developed to predict the effect of sequence changes on RNA splicing suggest that this variant may disrupt the consensus splice site. In summary, the available evidence is currently insufficient to determine the role of this variant in disease. Therefore, it has been classified as a Variant of Uncertain Significance.

Women's Health and Genetics/Laboratory Corporation of America, LabCorp
Classification: Uncertain significance. Last evaluated: 2026-01-13. Review status: criteria provided, single submitter. Criteria: LabCorp Variant Classification Summary - May 2015. Collection method: clinical testing. Allele origin: germline.
Comment: Variant summary: C1S c.733C>T (p.Arg245Trp) results in a non-conservative amino acid change in the encoded protein sequence. Algorithms developed to predict the effect of missense changes on protein structure and function are either unavailable or do not agree on the potential impact of this missense change. The variant allele was found at a frequency of 5.6e-05 in 251446 control chromosomes. This frequency is not significantly higher than estimated for disease-causing variants in C1S, allowing no conclusion about variant significance. To our knowledge, no occurrence of c.733C>T in individuals affected with C1S-related conditions and no experimental evidence demonstrating its impact on protein function have been reported. ClinVar contains an entry for this variant (Variation ID: 830030). Based on the evidence outlined above, the variant was classified as uncertain significance.

Bioscientia Institut fuer Medizinische Diagnostik GmbH, Sonic Healthcare
Classification: Uncertain significance for Complement component C1s deficiency. Last evaluated: 2019-11-04. Review status: no assertion criteria provided. Collection method: clinical testing. Allele origin: germline. Affected: yes. Not counted in ClinVar's aggregate classification.

NM_001734.5(C1S):c.733C>T (p.Arg245Trp)

Gene: C1S (complement C1s; plus strand). Cytogenetic location: 12p13.31.
Variant type: single nucleotide variant.
Coding change: c.733C>T on transcript NM_001734.5 (MANE Select); coding-DNA position 733, C replaced by T.
Protein change: p.Arg245Trp; replaces arginine 245 with tryptophan.
Molecular consequence: missense variant.
Genome position (GRCh38, 1-based): chr12:7,065,832, C>T. VCF-style: chr12-7065832-C-T. GRCh37 (hg19) VCF-style: chr12-7173136-C-T.
Other names: c.232C>T, p.Arg78Trp (NM_001346850.2); c.733C>T, p.Arg245Trp (NM_201442.4); short protein forms R78W, R245W.
Identifiers: ClinVar variation 830030 (VCV000830030.10), dbSNP rs147971272, ClinGen allele CA6423570.
Genomic context (GRCh38, chr12:7,065,832, plus strand): 5'-TTCCCTTTAGTTCTTTCCCTCTTCTGATTTCATCATTTTGTTCAGTTTGTTGCAGGAGAT[C>T]GGCAATTTGGTCCTTACTGTGGTCATGGATTCCCTGGGCCTCTAAATATTGAAACCAAGA-3'
Protein context (NP_001725.1, residues 235-255): LDSLVFVAGD[Arg245Trp]QFGPYCGHGF